The following is an entry in ClinVar:

NM_182641.4(BPTF):c.3856A>G (p.Asn1286Asp)

Gene: BPTF (bromodomain PHD finger transcription factor; plus strand). Cytogenetic location: 17q24.2.
Variant type: single nucleotide variant.
Coding change: c.3856A>G on transcript NM_182641.4 (MANE Select); coding-DNA position 3856, A replaced by G.
Protein change: p.Asn1286Asp; replaces asparagine 1286 with aspartic acid.
Molecular consequence: missense variant.
Genome position (GRCh38, 1-based): chr17:67,911,740, A>G. VCF-style: chr17-67911740-A-G. GRCh37 (hg19) VCF-style: chr17-65907856-A-G.
Other names: c.4234A>G, p.Asn1412Asp (NM_004459.7); short protein forms N1286D, N1412D.
Identifiers: ClinVar variation 3361132 (VCV003361132.1).

ClinVar aggregate classification (germline): Uncertain significance (1 of 4 stars; one submission).

gnomAD v4.1: 5 of 1,614,090 alleles (0.00031%); highest among the groups gnomAD compares: African/African-American, 0.0027%; 1 homozygote.

Submission:

GeneDx
Classification: Uncertain significance. Last evaluated: 2023-07-15. Review status: criteria provided, single submitter. Criteria: GeneDx Variant Classification Process June 2021. Collection method: clinical testing. Allele origin: germline. Affected: yes.
Comment: Not observed at significant frequency in large population cohorts (gnomAD); In silico analysis supports that this missense variant does not alter protein structure/function; Has not been previously published as pathogenic or benign to our knowledge